The following is an entry in ClinVar:

ClinVar aggregate classification (germline): Uncertain significance. Review status: criteria provided, multiple submitters, no conflicts (2 of 4 stars). 7 submissions from 7 submitters: Uncertain significance (7). Last evaluated 2025-08-07.

Conditions:
Congenital multicore myopathy with external ophthalmoplegia (CMYO1B). Also called: MULTICORE MYOPATHY; Congenital myopathy 1B, autosomal recessive; Minicore myopathy; MULTIMINICORE DISEASE WITH EXTERNAL OPHTHALMOPLEGIA; Minicore myopathy with external ophthalmoplegia. Identifiers: Orphanet 598, Orphanet 98905, MedGen C1850674, MONDO:0009712, OMIM 255320, HP:0003789.
Congenital myopathy with fiber type disproportion. Also called: Congenital fiber-type disproportion myopathy; Congenital fiber-type disproportion. Identifiers: Orphanet 2020, MedGen C0546264, MONDO:0009711. Inheritance: all.
Malignant hyperthermia, susceptibility to, 1 (MHS1). Also called: RYR1-Related Malignant Hyperthermia Susceptibility; Malignant hyperthermia suceptibility 1; Anesthesia related hyperthermia; Malignant hyperpyrexia; Fulminating hyperpyrexia; Pharmacogenic myopathy. Identifiers: Orphanet 423, MedGen C2930980, MONDO:0007783, OMIM 145600.
Central core myopathy (CMYO1A). Also called: CONGENITAL MYOPATHY 1A, AUTOSOMAL DOMINANT, WITH SUSCEPTIBILITY TO MALIGNANT HYPERTHERMIA; Central core disease; Myopathy, central fibrillar. Identifiers: Orphanet 597, MedGen C5830701, MONDO:0007294, OMIM 117000.
King Denborough syndrome (KDS). Identifiers: MedGen C1840365, MONDO:0020485, OMIM 619542.
RYR1-related disorder. Also called: RYR1-related disorders; RYR1-related condition. Identifiers: MedGen CN239331.

Allele frequency attached by ClinVar (database versions not stated): ExAC 0.00001; gnomAD exomes 0.00002; gnomAD 0.00003; TOPMed 0.00004.
gnomAD v4.1: 34 of 1,610,446 alleles (0.0021%); highest among the groups gnomAD compares: Middle Eastern, 0.016%; no homozygotes.

Submissions (7):

Labcorp Genetics (formerly Invitae), Labcorp
Classification: Uncertain significance for RYR1-related disorder. Last evaluated: 2025-08-07. Review status: criteria provided, single submitter. Criteria: Invitae Variant Classification Sherloc (09022015). Collection method: clinical testing. Allele origin: germline.
Comment: This sequence change replaces serine, which is neutral and polar, with leucine, which is neutral and non-polar, at codon 2594 of the RYR1 protein (p.Ser2594Leu). This variant is present in population databases (rs749564145, gnomAD 0.007%). This variant has not been reported in the literature in individuals affected with RYR1-related conditions. ClinVar contains an entry for this variant (Variation ID: 590595). Invitae Evidence Modeling of protein sequence and biophysical properties (such as structural, functional, and spatial information, amino acid conservation, physicochemical variation, residue mobility, and thermodynamic stability) indicates that this missense variant is not expected to disrupt RYR1 protein function with a negative predictive value of 80%. In summary, the available evidence is currently insufficient to determine the role of this variant in disease. Therefore, it has been classified as a Variant of Uncertain Significance.

All of Us Research Program, National Institutes of Health
Classification: Uncertain significance for Malignant hyperthermia, susceptibility to, 1. Last evaluated: 2024-09-23. Review status: criteria provided, single submitter. Criteria: ACMG Guidelines, 2015. Collection method: clinical testing. Allele origin: germline. Inheritance: Autosomal dominant inheritance. Observed: 7 variant alleles, 7 heterozygotes.
Comment: This missense variant replaces serine with leucine at codon 2594 of the RYR1 protein. Computational prediction is inconclusive regarding the impact of this variant on protein structure and function (internally defined REVEL score threshold 0.5 < inconclusive < 0.7, PMID: 27666373). To our knowledge, functional studies have not been reported for this variant. This variant has not been reported in individuals affected with RYR1-related disorders in the literature. This variant has been identified in 6/249496 chromosomes in the general population by the Genome Aggregation Database (gnomAD). The available evidence is insufficient to determine the role of this variant in disease conclusively. Therefore, this variant is classified as a Variant of Uncertain Significance.

This study involves interpretation of variants in research participants for the purpose of population health screening. Participant phenotype was not available at the time of variant classification. Additional details can be found in publication PMID: 35346344, PMCID: PMC8962531

Blueprint Genetics
Classification: Uncertain significance. Last evaluated: 2024-09-05. Review status: criteria provided, single submitter. Criteria: ACMG Guidelines, 2015. Collection method: clinical testing. Allele origin: germline.

Color Diagnostics, LLC DBA Color Health
Classification: Uncertain significance for Malignant hyperthermia, susceptibility to, 1. Last evaluated: 2024-05-13. Review status: criteria provided, single submitter. Criteria: ACMG Guidelines, 2015. Collection method: clinical testing. Allele origin: germline.
Comment: This missense variant replaces serine with leucine at codon 2594 of the RYR1 protein. Computational prediction is inconclusive regarding the impact of this variant on protein structure and function. To our knowledge, functional studies have not been reported for this variant. This variant has not been reported in individuals affected with RYR1-related disorders in the literature. This variant has been identified in 6/249496 chromosomes in the general population by the Genome Aggregation Database (gnomAD). The available evidence is insufficient to determine the role of this variant in disease conclusively. Therefore, this variant is classified as a Variant of Uncertain Significance.

CeGaT Center for Human Genetics Tuebingen
Classification: Uncertain significance. Last evaluated: 2022-04-01. Review status: criteria provided, single submitter. Criteria: CeGaT Center For Human Genetics Tuebingen Variant Classification Criteria Version 2. Collection method: clinical testing. Allele origin: germline. Affected: yes. Observed: 1 variant allele.

Fulgent Genetics
Classification: Uncertain significance for Central core myopathy; Malignant hyperthermia, susceptibility to, 1; Congenital myopathy 4A, autosomal dominant; Congenital multicore myopathy with external ophthalmoplegia; King Denborough syndrome. Last evaluated: 2021-09-30. Review status: criteria provided, single submitter. Criteria: ACMG Guidelines, 2015. Collection method: clinical testing. Allele origin: unknown.

PreventionGenetics, part of Exact Sciences
Classification: Uncertain significance. Last evaluated: 2018-01-09. Review status: criteria provided, single submitter. Criteria: ACMG Guidelines, 2015. Collection method: clinical testing. Allele origin: germline.

NM_000540.3(RYR1):c.7781C>T (p.Ser2594Leu)

Gene: RYR1 (ryanodine receptor 1; plus strand). Cytogenetic location: 19q13.2.
Variant type: single nucleotide variant.
Coding change: c.7781C>T on transcript NM_000540.3 (MANE Select); coding-DNA position 7781, C replaced by T.
Protein change: p.Ser2594Leu; replaces serine 2594 with leucine.
Molecular consequence: missense variant.
Genome position (GRCh38, 1-based): chr19:38,502,673, C>T. VCF-style: chr19-38502673-C-T. GRCh37 (hg19) VCF-style: chr19-38993313-C-T.
Other names: c.7781C>T, p.Ser2594Leu (NM_001042723.2); short protein forms S2594L.
Identifiers: ClinVar variation 590595 (VCV000590595.41), dbSNP rs749564145, ClinGen allele CA070231.
Genomic context (GRCh38, chr19:38,502,673, plus strand): 5'-ACCGCGCCATCATGGTGGACTCTATGCTGCATACCGTGTACCGCCTGTCTCGGGGTCGTT[C>T]GCTCACCAAGGCGCAGCGTGACGTCATCGAGGACTGCCTCATGTCGCTCTGCAGGTGGAG-3'
Protein context (NP_000531.2, residues 2584-2604): HTVYRLSRGR[Ser2594Leu]LTKAQRDVIE